The following continues an entry in ClinVar:

NM_000158.4(GBE1):c.1492G>A (p.Glu498Lys)

Gene: GBE1. ClinVar aggregate classification (germline): Conflicting classifications of pathogenicity. Likely pathogenic (4); Uncertain significance (14).

Submissions 11 to 25 of 25:

Department of Pathology and Laboratory Medicine, Sinai Health System
Classification: Uncertain significance for Glycogen storage disease, type IV; Adult polyglucosan body disease. Last evaluated: 2023-02-03. Review status: criteria provided, single submitter. Criteria: ACMG Guidelines, 2015. Collection method: research. Allele origin: germline.

Labcorp Genetics (formerly Invitae), Labcorp
Classification: Uncertain significance for Glycogen storage disease, type IV; Glycogen storage disease IV, classic hepatic. Last evaluated: 2022-10-24. Review status: criteria provided, single submitter. Criteria: Invitae Variant Classification Sherloc (09022015). Collection method: clinical testing. Allele origin: germline.
Comment: This sequence change replaces glutamic acid, which is acidic and polar, with lysine, which is basic and polar, at codon 498 of the GBE1 protein (p.Glu498Lys). This variant is present in population databases (rs201758548, gnomAD 0.1%), and has an allele count higher than expected for a pathogenic variant. This missense change has been observed in individual(s) with GBE1-related conditions (PMID: 26789422). ClinVar contains an entry for this variant (Variation ID: 548007). Advanced modeling of protein sequence and biophysical properties (such as structural, functional, and spatial information, amino acid conservation, physicochemical variation, residue mobility, and thermodynamic stability) performed at Invitae indicates that this missense variant is expected to disrupt GBE1 protein function. In summary, the available evidence is currently insufficient to determine the role of this variant in disease. Therefore, it has been classified as a Variant of Uncertain Significance.

Fulgent Genetics
Classification: Uncertain significance for Glycogen storage disease, type IV; Adult polyglucosan body disease. Last evaluated: 2022-04-18. Review status: criteria provided, single submitter. Criteria: ACMG Guidelines, 2015. Collection method: clinical testing. Allele origin: unknown.

Broad Center for Mendelian Genomics, Broad Institute of MIT and Harvard
Classification: Uncertain significance for Adult polyglucosan body disease. Last evaluated: 2022-01-27. Review status: criteria provided, single submitter. Criteria: ACMG Guidelines, 2015. Collection method: curation. Allele origin: germline. Inheritance: Autosomal recessive inheritance.
Comment: The p.Glu498Lys variant in GBE1 has been reported in 1 individual. in the compound heterozygous state, with adult polyglucosan body disease (APBD) (PMID: 26789422) and has been identified in 0.1% (32/24784) of European (Finnish) chromosomes by the Genome Aggregation Database (gnomAD; dbSNP ID: rs201758548). Although this variant has been seen in the general population in a heterozygous state, its frequency is not high enough to rule out a pathogenic role. Computational prediction tools and conservation analyses suggest that this variant may impact the protein, though this information is not predictive enough to determine pathogenicity. In summary, the clinical significance of the p.Glu498Lys variant is uncertain. ACMG/AMP Criteria applied: PP3 (Richards 2015).

Cambridge Genomics Laboratory, East Genomic Laboratory Hub, NHS Genomic Medicine Service
Classification: Uncertain significance for Dementia. Last evaluated: 2020-02-04. Review status: criteria provided, single submitter. Criteria: ACGS Best Practice Guidelines for Variant Classification in Rare Disease 2020. Collection method: clinical testing. Allele origin: germline. Affected: yes. Observed: 1 variant allele.

Eurofins Ntd Llc (ga)
Classification: Uncertain significance. Last evaluated: 2017-07-12. Review status: criteria provided, single submitter. Criteria: EGL Classification Definitions 2015. Collection method: clinical testing. Allele origin: germline. Observed: 1 variant allele, 1 heterozygote.

Illumina Laboratory Services, Illumina
Classification: Uncertain significance for Glycogen storage disease, type IV. Last evaluated: 2017-04-27. Review status: criteria provided, single submitter. Criteria: ICSL Variant Classification Criteria 13 December 2019. Collection method: clinical testing. Allele origin: germline.

Kariminejad - Najmabadi Pathology & Genetics Center
Classification: Likely pathogenic for Glycogen storage disease, type IV. Review status: criteria provided, single submitter. Criteria: ACMG Guidelines, 2015. Collection method: clinical testing. Allele origin: germline. Affected: no.

Natera, Inc.
Classification: Uncertain significance for Glycogen storage disease type IV. Last evaluated: 2020-01-13. Review status: no assertion criteria provided. Collection method: clinical testing. Allele origin: germline. Not counted in ClinVar's aggregate classification.

Counsyl
Classification: Uncertain significance for Glycogen storage disease, type IV. Last evaluated: 2017-05-17. Review status: no assertion criteria provided. Collection method: clinical testing. Allele origin: unknown. Not counted in ClinVar's aggregate classification.

Clinical Genetics DNA and cytogenetics Diagnostics Lab, Erasmus MC, Erasmus Medical Center
Classification: Uncertain significance. Review status: no assertion criteria provided. Collection method: clinical testing. Allele origin: germline. Affected: yes. Study: VKGL Data-share Consensus. Not counted in ClinVar's aggregate classification.

Clinical Genetics, Academic Medical Center
Classification: Uncertain significance. Review status: no assertion criteria provided. Collection method: clinical testing. Allele origin: germline. Affected: yes. Study: VKGL Data-share Consensus. Not counted in ClinVar's aggregate classification.

Diagnostic Laboratory, Department of Genetics, University Medical Center Groningen
Classification: Uncertain significance. Review status: no assertion criteria provided. Collection method: clinical testing. Allele origin: germline. Affected: yes. Study: VKGL Data-share Consensus. Not counted in ClinVar's aggregate classification.

Genome Diagnostics Laboratory, Amsterdam University Medical Center
Classification: Uncertain significance. Review status: no assertion criteria provided. Collection method: clinical testing. Allele origin: germline. Affected: yes. Study: VKGL Data-share Consensus. Not counted in ClinVar's aggregate classification.

Laboratory of Diagnostic Genome Analysis, Leiden University Medical Center (LUMC)
Classification: Uncertain significance. Review status: no assertion criteria provided. Collection method: clinical testing. Allele origin: germline. Affected: yes. Study: VKGL Data-share Consensus. Not counted in ClinVar's aggregate classification.

Literature cited by the submitters: PubMed 26789422 (cited by 6 submitters); PubMed 34946936 (cited by 4 submitters); PubMed 36628840 (cited by 3 submitters); PubMed 37152446 (cited by Myriad Genetics, Inc.); PubMed 34426522 (cited by Mayo Clinic Laboratories, Mayo Clinic).